The following is an entry in ClinVar:

NM_000260.4(MYO7A):c.3469A>G (p.Ile1157Val)

Gene: MYO7A (myosin VIIA; plus strand). Cytogenetic location: 11q13.5.
Variant type: single nucleotide variant.
Coding change: c.3469A>G on transcript NM_000260.4 (MANE Select); coding-DNA position 3469, A replaced by G.
Protein change: p.Ile1157Val; replaces isoleucine 1157 with valine.
Molecular consequence: missense variant.
Genome position (GRCh38, 1-based): chr11:77,184,681, A>G. VCF-style: chr11-77184681-A-G. GRCh37 (hg19) VCF-style: chr11-76895726-A-G.
Other names: NM_001127179.2:c.3469A>G; c.3469A>G, p.Ile1157Val (NM_001127180.2); c.3436A>G, p.Ile1146Val (NM_001369365.1); short protein forms I1157V, I1146V.
Identifiers: ClinVar variation 43204 (VCV000043204.11), dbSNP rs397516300, ClinGen allele CA132285.

ClinVar aggregate classification (germline): Conflicting classifications of pathogenicity. Review status: criteria provided, conflicting classifications (1 of 4 stars). 3 submissions from 3 submitters: Uncertain significance (2); Benign (1). Last evaluated 2025-04-13.

Allele frequency attached by ClinVar (database versions not stated): TOPMed 0.00002; gnomAD exomes 0.00003; gnomAD 0.00005; ExAC 0.00011.
gnomAD v4.1: 54 of 1,598,896 alleles (0.0034%); highest among the groups gnomAD compares: Non-Finnish European, 0.0016%; no homozygotes.

Submissions (3):

Labcorp Genetics (formerly Invitae), Labcorp
Classification: Uncertain significance. Last evaluated: 2025-04-13. Review status: criteria provided, single submitter. Criteria: Invitae Variant Classification Sherloc (09022015). Collection method: clinical testing. Allele origin: germline.
Comment: This sequence change replaces isoleucine, which is neutral and non-polar, with valine, which is neutral and non-polar, at codon 1157 of the MYO7A protein (p.Ile1157Val). This variant is present in population databases (rs397516300, gnomAD 0.02%). This variant has not been reported in the literature in individuals affected with MYO7A-related conditions. ClinVar contains an entry for this variant (Variation ID: 43204). Invitae Evidence Modeling of protein sequence and biophysical properties (such as structural, functional, and spatial information, amino acid conservation, physicochemical variation, residue mobility, and thermodynamic stability) indicates that this missense variant is not expected to disrupt MYO7A protein function with a negative predictive value of 95%. In summary, the available evidence is currently insufficient to determine the role of this variant in disease. Therefore, it has been classified as a Variant of Uncertain Significance.

Blueprint Genetics
Classification: Uncertain significance. Last evaluated: 2023-09-29. Review status: criteria provided, single submitter. Criteria: ACMG Guidelines, 2015. Collection method: clinical testing. Allele origin: germline.

Laboratory for Molecular Medicine, Mass General Brigham Personalized Medicine
Classification: Benign. Last evaluated: 2014-08-11. Review status: criteria provided, single submitter. Criteria: LMM Criteria. Collection method: clinical testing. Allele origin: germline. Observed: 1 variant allele.
Comment: Ile1157Val in exon 27A of MYO7A: This variant is not expected to have clinical s ignificance due to a lack of conservation across species, including mammals. Of note, 12 mammals have a valine (Val) at this position despite high nearby amino acid conservation. In addition, computational analyses do not suggest a high lik elihood of impact to the protein.